The following is an entry in ClinVar:

NM_022367.4(SEMA4A):c.14C>G (p.Ala5Gly)

Gene: SEMA4A (semaphorin 4A; plus strand). Cytogenetic location: 1q22.
Variant type: single nucleotide variant.
Coding change: c.14C>G on transcript NM_022367.4 (MANE Select); coding-DNA position 14, C replaced by G.
Protein change: p.Ala5Gly; replaces alanine 5 with glycine.
Molecular consequence: missense variant. On other transcripts: 5 prime UTR variant (1), intron variant (3).
Genome position (GRCh38, 1-based): chr1:156,154,592, C>G. VCF-style: chr1-156154592-C-G. GRCh37 (hg19) VCF-style: chr1-156124383-C-G.
Other names: c.14C>G, p.Ala5Gly (NM_001193300.2, NM_001193301.2, NM_001370567.1); c.-511C>G (NM_001370571.1); c.-385-1822C>G (NM_001370569.1); c.-158-1822C>G (NM_001370568.1); c.-159+828C>G (NM_001193302.2); short protein forms A5G.
Identifiers: ClinVar variation 954000 (VCV000954000.10), dbSNP rs920318823, ClinGen allele CA31028243.

ClinVar aggregate classification (germline): Uncertain significance. Review status: criteria provided, multiple submitters, no conflicts (2 of 4 stars). 2 submissions from 2 submitters: Uncertain significance (2). Last evaluated 2025-07-15.

Allele frequency attached by ClinVar (database versions not stated): TOPMed below 0.00001; gnomAD 0.00001; gnomAD exomes 0.00002.
gnomAD v4.1: 28 of 1,610,598 alleles (0.0017%); highest among the groups gnomAD compares: Non-Finnish European, 0.0024%; no homozygotes.

Submissions (2):

Ambry Genetics
Classification: Uncertain significance. Last evaluated: 2025-07-15. Review status: criteria provided, single submitter. Criteria: Ambry Variant Classification Scheme 2023. Collection method: clinical testing. Allele origin: germline.

Labcorp Genetics (formerly Invitae), Labcorp
Classification: Uncertain significance. Last evaluated: 2024-11-05. Review status: criteria provided, single submitter. Criteria: Invitae Variant Classification Sherloc (09022015). Collection method: clinical testing. Allele origin: germline.
Comment: This sequence change replaces alanine, which is neutral and non-polar, with glycine, which is neutral and non-polar, at codon 5 of the SEMA4A protein (p.Ala5Gly). The frequency data for this variant in the population databases is considered unreliable, as metrics indicate poor data quality at this position in the gnomAD database. This variant has not been reported in the literature in individuals affected with SEMA4A-related conditions. ClinVar contains an entry for this variant (Variation ID: 954000). An algorithm developed to predict the effect of missense changes on protein structure and function (PolyPhen-2) suggests that this variant is likely to be tolerated. In summary, the available evidence is currently insufficient to determine the role of this variant in disease. Therefore, it has been classified as a Variant of Uncertain Significance.